The following is an entry in ClinVar:

ClinVar aggregate classification (germline): Uncertain significance (1 of 4 stars; one submission).

Conditions:
Tuberous sclerosis syndrome (TSC). Also called: Tuberous sclerosis; Tuberous Sclerosis Complex. Identifiers: Orphanet 805, MedGen C0041341, MONDO:0001734.

Submission:

All of Us Research Program, National Institutes of Health
Classification: Uncertain significance for Tuberous sclerosis syndrome. Last evaluated: 2023-03-28. Review status: criteria provided, single submitter. Criteria: ACMG Guidelines, 2015. Collection method: clinical testing. Allele origin: germline. Inheritance: Autosomal dominant inheritance. Observed: 1 variant allele, 1 heterozygote.
Comment: This study involves interpretation of variants in research participants for the purpose of population health screening. Participant phenotype was not available at the time of variant classification. Additional details can be found in publication PMID: 35346344, PMCID: PMC8962531

NM_000368.5(TSC1):c.929C>G (p.Thr310Ser)

Gene: TSC1 (TSC complex subunit 1; minus strand). Cytogenetic location: 9q34.13.
Variant type: single nucleotide variant.
Coding change: c.929C>G on transcript NM_000368.5 (MANE Select); coding-DNA position 929, C replaced by G.
Protein change: p.Thr310Ser; replaces threonine 310 with serine.
Molecular consequence: missense variant. On other transcripts: 5 prime UTR variant (5), non-coding transcript variant (5).
Genome position (GRCh38, 1-based): chr9:132,911,553, G>C on the plus strand (C>G on the coding strand, the complement: TSC1 is on the minus strand). VCF-style: chr9-132911553-G-C. GRCh37 (hg19) VCF-style: chr9-135786940-G-C.
Other names: c.929C>G, p.Thr310Ser (NM_001162426.2, NM_001406592.1, NM_001406593.1 and 16 more transcripts); c.776C>G, p.Thr259Ser (NM_001162427.2, NM_001406610.1, NM_001406611.1 and 2 more transcripts); c.566C>G, p.Thr189Ser (NM_001362177.2, NM_001406617.1, NM_001406618.1 and 10 more transcripts); c.-23C>G (NM_001406626.1, NM_001406627.1, NM_001406628.1); c.-165C>G (NM_001406629.1, NM_001406630.1); short protein forms T189S, T259S, T310S.
Identifiers: ClinVar variation 3069949 (VCV003069949.1), dbSNP rs1588324860, ClinGen allele CA375368732.
Genomic context (GRCh38, chr9:132,911,553, plus strand): 5'-AGAGTCTGAGGTAGCTGCCCTGGCATATTTAACAACATCAGCCGAGACGTGGAGTAAGGG[G>C]TAGAAGTAGCACACCCTAAAATGGAAGAGAAGAACACAGGGGGTTAGTGTGTGGTTTTAG-3'
Protein context (NP_000359.1, residues 300-320): TQNSYGCATS[Thr310Ser]PYSTSRLMLL